The following is an entry in ClinVar:

NM_005157.6(ABL1):c.2777C>A (p.Ala926Glu)

Gene: ABL1 (ABL proto-oncogene 1, non-receptor tyrosine kinase; plus strand). Cytogenetic location: 9q34.12.
Variant type: single nucleotide variant.
Coding change: c.2777C>A on transcript NM_005157.6 (MANE Select); coding-DNA position 2777, C replaced by A.
Protein change: p.Ala926Glu; replaces alanine 926 with glutamic acid.
Molecular consequence: missense variant.
Genome position (GRCh38, 1-based): chr9:130,885,067, C>A. VCF-style: chr9-130885067-C-A. GRCh37 (hg19) VCF-style: chr9-133760454-C-A.
Other names: c.2834C>A, p.Ala945Glu (NM_007313.3); short protein forms A926E, A945E.
Identifiers: ClinVar variation 1720153 (VCV001720153.5), dbSNP rs2133038595, ClinGen allele CA375258568.

ClinVar aggregate classification (germline): Uncertain significance (1 of 4 stars; one submission).

Submission:

Labcorp Genetics (formerly Invitae), Labcorp
Classification: Uncertain significance. Last evaluated: 2022-09-23. Review status: criteria provided, single submitter. Criteria: Invitae Variant Classification Sherloc (09022015). Collection method: clinical testing. Allele origin: germline.
Comment: This variant is not present in population databases (gnomAD no frequency). This sequence change replaces alanine, which is neutral and non-polar, with glutamic acid, which is acidic and polar, at codon 945 of the ABL1 protein (p.Ala945Glu). This variant has not been reported in the literature in individuals affected with ABL1-related conditions. Advanced modeling of protein sequence and biophysical properties (such as structural, functional, and spatial information, amino acid conservation, physicochemical variation, residue mobility, and thermodynamic stability) performed at Invitae indicates that this missense variant is not expected to disrupt ABL1 protein function. In summary, the available evidence is currently insufficient to determine the role of this variant in disease. Therefore, it has been classified as a Variant of Uncertain Significance.